The following is an entry in ClinVar:

NM_004370.6(COL12A1):c.5771G>A (p.Arg1924His)

Gene: COL12A1 (collagen type XII alpha 1 chain; minus strand). Cytogenetic location: 6q13.
Variant type: single nucleotide variant.
Coding change: c.5771G>A on transcript NM_004370.6 (MANE Select); coding-DNA position 5771, G replaced by A.
Protein change: p.Arg1924His; replaces arginine 1924 with histidine.
Molecular consequence: missense variant.
Genome position (GRCh38, 1-based): chr6:75,133,316, C>T on the plus strand (G>A on the coding strand, the complement: COL12A1 is on the minus strand). VCF-style: chr6-75133316-C-T. GRCh37 (hg19) VCF-style: chr6-75843032-C-T.
Other names: c.2279G>A, p.Arg760His (NM_080645.3); short protein forms R1924H, R760H.
Identifiers: ClinVar variation 1063195 (VCV001063195.12), dbSNP rs751986784, ClinGen allele CA3893014.

ClinVar aggregate classification (germline): Conflicting classifications of pathogenicity. Review status: criteria provided, conflicting classifications (1 of 4 stars). 3 submissions from 3 submitters: Uncertain significance (2); Likely benign (1). Last evaluated 2026-01-13.

Conditions:
Ullrich congenital muscular dystrophy 2 (UCMD2). Identifiers: Orphanet 75840, MedGen C4225314, MONDO:0014654, OMIM 616470.
Bethlem myopathy 2 (BTHLM2). Identifiers: Orphanet 536516, Orphanet 610, MedGen C4225313, MONDO:0034022, OMIM 616471.

Allele frequency attached by ClinVar (database versions not stated): gnomAD 0.00002 and 0.00003; gnomAD exomes 0.00003 and 0.00002; ExAC 0.00001; TOPMed 0.00002.
gnomAD v4.1: 44 of 1,599,458 alleles (0.0028%); highest among the groups gnomAD compares: African/African-American, 0.004%; no homozygotes.

Submissions (3):

Women's Health and Genetics/Laboratory Corporation of America, LabCorp
Classification: Uncertain significance. Last evaluated: 2026-01-13. Review status: criteria provided, single submitter. Criteria: LabCorp Variant Classification Summary - May 2015. Collection method: clinical testing. Allele origin: germline.
Comment: Variant summary: COL12A1 c.5771G>A (p.Arg1924His) results in a non-conservative amino acid change in the encoded protein sequence. Algorithms developed to predict the effect of missense changes on protein structure and function are either unavailable or do not agree on the potential impact of this missense change. The variant allele was found at a frequency of 1.7e-05 in 241466 control chromosomes. The available data on variant occurrences in the general population are insufficient to allow any conclusion about variant significance. To our knowledge, no occurrence of c.5771G>A in individuals affected with COL12A1-related conditions and no experimental evidence demonstrating its impact on protein function have been reported. ClinVar contains an entry for this variant (Variation ID: 1063195). Based on the evidence outlined above, the variant was classified as uncertain significance.

GeneDx
Classification: Uncertain significance. Last evaluated: 2025-07-01. Review status: criteria provided, single submitter. Criteria: GeneDx Variant Classification Process June 2021. Collection method: clinical testing. Allele origin: germline. Affected: yes.
Comment: In silico analysis suggests that this missense variant does not alter protein structure/function; Has not been previously published as pathogenic or benign to our knowledge

Labcorp Genetics (formerly Invitae), Labcorp
Classification: Likely benign for Bethlem myopathy 2; Ullrich congenital muscular dystrophy 2. Last evaluated: 2025-04-23. Review status: criteria provided, single submitter. Criteria: Invitae Variant Classification Sherloc (09022015). Collection method: clinical testing. Allele origin: germline.